The following is an entry in ClinVar:

NR_046473.1(MEG3):n.1296dup

Gene: MEG3 (maternally expressed 3; plus strand). Cytogenetic location: 14q32.2.
Variant type: Duplication.
Molecular consequence: non-coding transcript variant (on NR_046473.1).
Genome position: GRCh38 VCF-style: chr14-100845906-T-TG. GRCh37 (hg19) VCF-style: chr14-101312243-T-TG.
Identifiers: ClinVar variation 3044287 (VCV003044287.2), dbSNP rs200608518, ClinGen allele CA266867959.
Genomic context (GRCh38, chr14:100,845,906, plus strand): 5'-TTGAGTCTCCCTTTGGCTCTTGTGCCGCAGGGCAGACTAGGATGGAAGTGCCCTGTGAGC[T>TG]GGGGGGCCCTTCAAAGGGCCAAGGAGAAAACGCAGGCCGAGGGACCAGCCTTCCAAATGG-3'

ClinVar aggregate classification (germline): Benign (0 of 4 stars; one submission).

Conditions:
MEG3-related disorder. Also called: MEG3-related condition.

Submission:

PreventionGenetics, part of Exact Sciences
Classification: Benign for MEG3-related condition. Last evaluated: 2020-01-08. Review status: no assertion criteria provided. Collection method: clinical testing. Allele origin: germline.
Comment: This variant is classified as benign based on ACMG/AMP sequence variant interpretation guidelines (Richards et al. 2015 PMID: 25741868, with internal and published modifications).